The following is an entry in ClinVar:

NM_000540.3(RYR1):c.9772G>C (p.Glu3258Gln)

Gene: RYR1 (ryanodine receptor 1; plus strand). Cytogenetic location: 19q13.2.
Variant type: single nucleotide variant.
Coding change: c.9772G>C on transcript NM_000540.3 (MANE Select); coding-DNA position 9772, G replaced by C.
Protein change: p.Glu3258Gln; replaces glutamic acid 3258 with glutamine.
Molecular consequence: missense variant.
Genome position (GRCh38, 1-based): chr19:38,517,445, G>C. VCF-style: chr19-38517445-G-C. GRCh37 (hg19) VCF-style: chr19-39008085-G-C.
Other names: c.9772G>C, p.Glu3258Gln (NM_001042723.2); short protein forms E3258Q.
Identifiers: ClinVar variation 856820 (VCV000856820.9), dbSNP rs754431075, ClinGen allele CA405691942.

ClinVar aggregate classification (germline): Uncertain significance (1 of 4 stars; one submission).

Conditions:
RYR1-related disorder. Also called: RYR1-related disorders; RYR1-related condition. Identifiers: MedGen CN239331.

Submission:

Labcorp Genetics (formerly Invitae), Labcorp
Classification: Uncertain significance for RYR1-related disorder. Last evaluated: 2022-03-09. Review status: criteria provided, single submitter. Criteria: Invitae Variant Classification Sherloc (09022015). Collection method: clinical testing. Allele origin: germline.
Comment: ClinVar contains an entry for this variant (Variation ID: 856820). This variant has not been reported in the literature in individuals affected with RYR1-related conditions. This variant is not present in population databases (gnomAD no frequency). This sequence change replaces glutamic acid, which is acidic and polar, with glutamine, which is neutral and polar, at codon 3258 of the RYR1 protein (p.Glu3258Gln). In summary, the available evidence is currently insufficient to determine the role of this variant in disease. Therefore, it has been classified as a Variant of Uncertain Significance. Advanced modeling of protein sequence and biophysical properties (such as structural, functional, and spatial information, amino acid conservation, physicochemical variation, residue mobility, and thermodynamic stability) performed at Invitae indicates that this missense variant is not expected to disrupt RYR1 protein function.